The following is an entry in ClinVar:

ClinVar aggregate classification (germline): Conflicting classifications of pathogenicity. Review status: criteria provided, conflicting classifications (1 of 4 stars). 4 submissions from 3 submitters: Uncertain significance (1); Benign (2). 1 of the submissions does not count toward it. Last evaluated 2025-11-19.

Conditions:
Regional enteritis. Also called: Enteritis, Granulomatous. Identifiers: MedGen C0678202, MeSH D003424.
Blau syndrome (BLAUS). Also called: ARTHROCUTANEOUVEAL GRANULOMATOSIS; GRANULOMATOSIS, FAMILIAL JUVENILE SYSTEMIC; GRANULOMATOSIS, FAMILIAL, BLAU TYPE; GRANULOMATOUS INFLAMMATORY ARTHRITIS, DERMATITIS, AND UVEITIS, FAMILIAL; JABS SYNDROME. Identifiers: Orphanet 90340, MedGen C5201146, MONDO:0008523, OMIM 186580.
NOD2-related disorder. Also called: NOD2-related condition.
Inflammatory bowel disease 1 (IBD1). Also called: Inflammatory bowel disease 1, Crohn disease; INFLAMMATORY BOWEL DISEASE (CROHN DISEASE) 1. Identifiers: MedGen CN260071, MONDO:0009960, OMIM 266600.

Allele frequency attached by ClinVar (database versions not stated): gnomAD exomes 0.00004 and 0.00009; ESP Exome Variant Server 0.00008; ExAC 0.00014; gnomAD 0.00016 and 0.00017; TOPMed 0.00020; 1000 Genomes Project 30x 0.00109; 1000 Genomes Project 0.00120.
gnomAD v4.1: 95 of 1,614,240 alleles (0.0059%); highest among the groups gnomAD compares: African/African-American, 0.083%; no homozygotes.

Submissions (4):

Labcorp Genetics (formerly Invitae), Labcorp
Classification: Benign for Regional enteritis; Blau syndrome. Last evaluated: 2025-11-19. Review status: criteria provided, single submitter. Criteria: Invitae Variant Classification Sherloc (09022015). Collection method: clinical testing. Allele origin: germline.

Illumina Laboratory Services, Illumina
Classification: Benign for Blau syndrome. Last evaluated: 2018-01-12. Review status: criteria provided, single submitter. Criteria: ICSL Variant Classification Criteria 13 December 2019. Collection method: clinical testing. Allele origin: germline.
Comment: This variant was observed in the ICSL laboratory as part of a predisposition screen in an ostensibly healthy population. It had not been previously curated by ICSL or reported in the Human Gene Mutation Database (HGMD: prior to June 1st, 2018), and was therefore a candidate for classification through an automated scoring system. Utilizing variant allele frequency, disease prevalence and penetrance estimates, and inheritance mode, an automated score was calculated to assess if this variant is too frequent to cause the disease. Based on the score and internal cut-off values, a variant classified as benign is not then subjected to further curation. The score for this variant resulted in a classification of benign for this disease.

Illumina Laboratory Services, Illumina
Classification: Uncertain significance for Inflammatory bowel disease 1. Last evaluated: 2018-01-12. Review status: criteria provided, single submitter. Criteria: ICSL Variant Classification Criteria 13 December 2019. Collection method: clinical testing. Allele origin: germline.

PreventionGenetics, part of Exact Sciences
Classification: Likely benign for NOD2-related condition. Last evaluated: 2022-04-26. Review status: no assertion criteria provided. Collection method: clinical testing. Allele origin: germline. Not counted in ClinVar's aggregate classification.
Comment: This variant is classified as likely benign based on ACMG/AMP sequence variant interpretation guidelines (Richards et al. 2015 PMID: 25741868, with internal and published modifications).

NM_001370466.1(NOD2):c.1758C>T (p.Phe586=)

Gene: NOD2 (nucleotide binding oligomerization domain containing 2; plus strand). Cytogenetic location: 16q12.1.
Variant type: single nucleotide variant.
Coding change: c.1758C>T on transcript NM_001370466.1 (MANE Select); coding-DNA position 1758, C replaced by T.
Protein change: p.Phe586=; no amino-acid change (phenylalanine 586 retained).
Molecular consequence: synonymous variant. On other transcripts: non-coding transcript variant (1).
Genome position (GRCh38, 1-based): chr16:50,711,750, C>T. VCF-style: chr16-50711750-C-T. GRCh37 (hg19) VCF-style: chr16-50745661-C-T.
Other names: c.1839C>T (LRG_177t1); c.1758C>T, p.Phe586= (NM_001293557.2); c.1839C>T, p.Phe613= (NM_022162.3).
Identifiers: ClinVar variation 319453 (VCV000319453.20), dbSNP rs149870902, ClinGen allele CA8051636.
Genomic context (GRCh38, chr16:50,711,750, plus strand): 5'-AGGGAGTACGGCGCCCCTGGAATTCCTTCACATCACTTTCCAGTGCTTCTTTGCCGCGTT[C>T]TACCTGGCACTCAGTGCTGATGTGCCACCAGCTTTGCTCAGACACCTCTTCAATTGTGGC-3'
Protein context (NP_001357395.1, residues 576-596): HITFQCFFAA[Phe586=]YLALSADVPP